The following is an entry in ClinVar:

NM_000343.4(SLC5A1):c.799C>T (p.Arg267Ter)

Gene: SLC5A1 (solute carrier family 5 member 1; plus strand). Cytogenetic location: 22q12.3.
Variant type: single nucleotide variant.
Coding change: c.799C>T on transcript NM_000343.4 (MANE Select); coding-DNA position 799, C replaced by T.
Protein change: p.Arg267Ter; replaces arginine 267 with a stop codon.
Molecular consequence: nonsense.
Genome position (GRCh38, 1-based): chr22:32,084,573, C>T. VCF-style: chr22-32084573-C-T. GRCh37 (hg19) VCF-style: chr22-32480560-C-T.
Other names: c.418C>T, p.Arg140Ter (NM_001256314.2); c.799C>T (NM_000343.3); short protein forms R140*, R267*.
Identifiers: ClinVar variation 803681 (VCV000803681.4), dbSNP rs779502629, ClinGen allele CA10198066.
Genomic context (GRCh38, chr22:32,084,573, plus strand): 5'-GGCAACACCACCTTTCAGGAAAAATGCTACACTCCAAGGGCCGACTCCTTCCACATCTTC[C>T]GAGATCCCCTCACGGGAGACCTCCCATGGCCTGGGTTCATCTTTGGGATGTCCATCCTTA-3'

ClinVar aggregate classification (germline): Pathogenic. Review status: criteria provided, multiple submitters, no conflicts (2 of 4 stars). 4 submissions from 4 submitters: Pathogenic (4). Last evaluated 2025-10-23.

Conditions:
SLC5A1-related disorder. Also called: SLC5A1-related condition.
Congenital glucose-galactose malabsorption (GGM). Also called: MONOSACCHARIDE MALABSORPTION; DIARRHEA 16. Identifiers: Orphanet 35710, MedGen C0268186, MONDO:0011731, OMIM 606824.

Allele frequency attached by ClinVar (database versions not stated): ExAC 0.00001; gnomAD 0.00001; TOPMed 0.00001; gnomAD exomes 0.00002.
gnomAD v4.1: 41 of 1,614,124 alleles (0.0025%); highest among the groups gnomAD compares: Non-Finnish European, 0.0029%; no homozygotes.

Submissions (4):

Labcorp Genetics (formerly Invitae), Labcorp
Classification: Pathogenic for Congenital glucose-galactose malabsorption. Last evaluated: 2025-10-23. Review status: criteria provided, single submitter. Criteria: Invitae Variant Classification Sherloc (09022015). Collection method: clinical testing. Allele origin: germline.
Comment: This sequence change creates a premature translational stop signal (p.Arg267*) in the SLC5A1 gene. It is expected to result in an absent or disrupted protein product. Loss-of-function variants in SLC5A1 are known to be pathogenic (PMID: 8563765). This variant is present in population databases (rs779502629, gnomAD 0.003%). This premature translational stop signal has been observed in individual(s) with glucose-galactose malabsorption (PMID: 33567694). ClinVar contains an entry for this variant (Variation ID: 803681). For these reasons, this variant has been classified as Pathogenic.

PreventionGenetics, part of Exact Sciences
Classification: Pathogenic for SLC5A1-related condition. Last evaluated: 2023-04-17. Review status: criteria provided, single submitter. Criteria: ACMG Guidelines, 2015. Collection method: clinical testing. Allele origin: germline.
Comment: The SLC5A1 c.799C>T variant is predicted to result in premature protein termination (p.Arg267*). This variant was reported in homozygous state in two individuals with Glucose / galactose malabsorption (Soylu et al. 2008. PubMed ID: 18288487; Esposito et al. 2021. PubMed ID: 33567694). This variant is reported in 0.0029% of alleles in individuals of Latino descent in gnomAD. Nonsense variants in SLC5A1 are expected to be pathogenic. This variant is interpreted as pathogenic.

Fulgent Genetics
Classification: Pathogenic for Congenital glucose-galactose malabsorption. Last evaluated: 2022-01-18. Review status: criteria provided, single submitter. Criteria: ACMG Guidelines, 2015. Collection method: clinical testing. Allele origin: unknown.

Mendelics
Classification: Pathogenic for Congenital glucose-galactose malabsorption. Last evaluated: 2019-05-28. Review status: criteria provided, single submitter. Criteria: Mendelics Assertion Criteria 2017. Collection method: clinical testing. Allele origin: unknown.

Literature cited by the submitters: PubMed 8563765 (cited by Labcorp Genetics (formerly Invitae), Labcorp); PubMed 33567694 (cited by Labcorp Genetics (formerly Invitae), Labcorp).